The following is an entry in ClinVar:

NM_173660.5(DOK7):c.534G>T (p.Trp178Cys)

Genes: DOK7 (docking protein 7; plus strand), LOC126806951 (CDK7 strongly-dependent group 2 enhancer GRCh37_chr4:3486115-3487314; plus strand). Cytogenetic location: 4p16.3.
Variant type: single nucleotide variant.
Coding change: c.534G>T on transcript NM_173660.5 (MANE Select); coding-DNA position 534, G replaced by T.
Protein change: p.Trp178Cys; replaces tryptophan 178 with cysteine.
Molecular consequence: missense variant. On other transcripts: 5 prime UTR variant (1), synonymous variant (1).
Genome position (GRCh38, 1-based): chr4:3,485,540, G>T. VCF-style: chr4-3485540-G-T. GRCh37 (hg19) VCF-style: chr4-3487267-G-T.
Other names: c.523G>T, p.Gly175Cys (NM_001164673.2); c.-397G>T (NM_001256896.2); c.534G>T, p.Trp178Cys (NM_001301071.2); c.102G>T, p.Gly34= (NM_001363811.2); short protein forms G175C, W178C.
Identifiers: ClinVar variation 842088 (VCV000842088.13), dbSNP rs1727716645, ClinGen allele CA356114861.

ClinVar aggregate classification (germline): Uncertain significance (1 of 4 stars; one submission).

Conditions:
Fetal akinesia deformation sequence 1 (FADS1). Also called: Pena-Shokeir syndrome type I; Fetal akinesia sequence. Identifiers: Orphanet 994, MedGen C1276035, MONDO:0100101, OMIM 208150, HP:0001989.
Congenital myasthenic syndrome 10. Also called: Myasthenia, limb-girdle, familial. Identifiers: Orphanet 590, MedGen C1850792, MONDO:0009690, OMIM 254300.

Submission:

Labcorp Genetics (formerly Invitae), Labcorp
Classification: Uncertain significance for Congenital myasthenic syndrome 10; Fetal akinesia deformation sequence 1. Last evaluated: 2020-09-20. Review status: criteria provided, single submitter. Criteria: Invitae Variant Classification Sherloc (09022015). Collection method: clinical testing. Allele origin: germline.
Comment: In summary, the available evidence is currently insufficient to determine the role of this variant in disease. Therefore, it has been classified as a Variant of Uncertain Significance. Algorithms developed to predict the effect of sequence changes on RNA splicing suggest that this variant may create or strengthen a splice site, but this prediction has not been confirmed by published transcriptional studies. Algorithms developed to predict the effect of missense changes on protein structure and function are either unavailable or do not agree on the potential impact of this missense change (SIFT: "Deleterious"; PolyPhen-2: "Probably Damaging"; Align-GVGD: "Class C0"). This variant has not been reported in the literature in individuals with DOK7-related conditions. This variant is not present in population databases (ExAC no frequency). This sequence change replaces tryptophan with cysteine at codon 178 of the DOK7 protein (p.Trp178Cys). The tryptophan residue is highly conserved and there is a large physicochemical difference between tryptophan and cysteine.